The following is an entry in ClinVar:

ClinVar aggregate classification (germline): Benign. Review status: criteria provided, multiple submitters, no conflicts (2 of 4 stars). 2 submissions from 2 submitters: Benign (2). Last evaluated 2018-07-13.

Allele frequency attached by ClinVar (database versions not stated): 1000 Genomes Project 0.06789; 1000 Genomes Project 30x 0.07011; gnomAD 0.11442 and 0.11496; gnomAD exomes 0.11850 and 0.16273; ExAC 0.12002; ESP Exome Variant Server 0.12440.
gnomAD v4.1: 244,325 of 1,551,378 alleles (16%); highest among the groups gnomAD compares: Non-Finnish European, 18%; 21,319 homozygotes.

Submissions (2):

GeneDx
Classification: Benign. Last evaluated: 2018-07-13. Review status: criteria provided, single submitter. Criteria: GeneDx Variant Classification Process June 2021. Collection method: clinical testing. Allele origin: germline. Affected: yes.
Comment: This variant is associated with the following publications: (PMID: 26553438, 29547645)

Breakthrough Genomics
Classification: Benign. Review status: criteria provided, single submitter. Criteria: ACMG Guidelines, 2015. Collection method: not provided. Allele origin: germline. Inheritance: Unknown mechanism. Affected: yes.

NM_001145475.3(FAM186A):c.6579G>A (p.Met2193Ile)

Gene: FAM186A (family with sequence similarity 186 member A; minus strand). Cytogenetic location: 12q13.12.
Variant type: single nucleotide variant.
Coding change: c.6579G>A on transcript NM_001145475.3 (MANE Select); coding-DNA position 6579, G replaced by A.
Protein change: p.Met2193Ile; replaces methionine 2193 with isoleucine.
Molecular consequence: missense variant.
Genome position (GRCh38, 1-based): chr12:50,334,028, C>T on the plus strand (G>A on the coding strand, the complement: FAM186A is on the minus strand). VCF-style: chr12-50334028-C-T. GRCh37 (hg19) VCF-style: chr12-50727811-C-T.
Other names: short protein forms M2193I.
Identifiers: ClinVar variation 1236725 (VCV001236725.4), dbSNP rs6580742, ClinGen allele CA6563003.
Genomic context (GRCh38, chr12:50,334,028, plus strand): 5'-CTTCTGCTTCTCAGTCCAGACCTGCATCACCTTTTTCCCGTAGTCATCAAGTCTGCTCAG[C>T]ATCATGTGGAGGTTCCTGGCCTCATAGCCTTTCCCAGTATTTTGGATGGCTTTTAGTCGT-3'
Protein context (NP_001138947.1, residues 2183-2203): KGYEARNLHM[Met2193Ile]LSRLDDYGKK